The following is an entry in ClinVar:

NM_014780.5(CUL7):c.2064-7C>T

Gene: CUL7 (cullin 7; minus strand). Cytogenetic location: 6p21.1.
Variant type: single nucleotide variant.
Coding change: c.2064-7C>T on transcript NM_014780.5 (MANE Select); 7 bases into the intron before coding-DNA position 2064, C replaced by T.
Molecular consequence: intron variant.
Genome position (GRCh38, 1-based): chr6:43,048,260, G>A on the plus strand (C>T on the coding strand, the complement: CUL7 is on the minus strand). VCF-style: chr6-43048260-G-A. GRCh37 (hg19) VCF-style: chr6-43015998-G-A.
Other names: c.2064-7C>T (NM_014780.4, NM_001374874.1, NM_001374873.1); c.2160-7C>T (NM_001168370.2, NM_001374872.1).
Identifiers: ClinVar variation 1621158 (VCV001621158.10), dbSNP rs771693083, ClinGen allele CA3813994.

ClinVar aggregate classification (germline): Likely benign. Review status: criteria provided, single submitter (1 of 4 stars). 2 submissions from 2 submitters: Likely benign (1). 1 of the submissions does not count toward it. Last evaluated 2025-08-11.

Conditions:
CUL7-related disorder. Also called: CUL7-related condition.

Allele frequency attached by ClinVar (database versions not stated): gnomAD exomes 0.00001 and 0.00003; ExAC 0.00002; TOPMed 0.00002.
gnomAD v4.1: 10 of 1,609,450 alleles (0.00062%); highest among the groups gnomAD compares: Admixed American, 0.015%; no homozygotes.

Submissions (2):

Labcorp Genetics (formerly Invitae), Labcorp
Classification: Likely benign. Last evaluated: 2025-08-11. Review status: criteria provided, single submitter. Criteria: Invitae Variant Classification Sherloc (09022015). Collection method: clinical testing. Allele origin: germline.

PreventionGenetics, part of Exact Sciences
Classification: Likely benign for CUL7-related condition. Last evaluated: 2019-06-13. Review status: no assertion criteria provided. Collection method: clinical testing. Allele origin: germline. Not counted in ClinVar's aggregate classification.
Comment: This variant is classified as likely benign based on ACMG/AMP sequence variant interpretation guidelines (Richards et al. 2015 PMID: 25741868, with internal and published modifications).